The following is an entry in ClinVar:

NM_173354.5(SIK1):c.1045C>T (p.Arg349Trp)

Gene: SIK1 (salt inducible kinase 1; minus strand). Cytogenetic location: 21q22.3.
Variant type: single nucleotide variant.
Coding change: c.1045C>T on transcript NM_173354.5 (MANE Select); coding-DNA position 1045, C replaced by T.
Protein change: p.Arg349Trp; replaces arginine 349 with tryptophan.
Molecular consequence: missense variant.
Genome position (GRCh38, 1-based): chr21:43,419,933, G>A on the plus strand (C>T on the coding strand, the complement: SIK1 is on the minus strand). VCF-style: chr21-43419933-G-A. GRCh37 (hg19) VCF-style: chr21-44839813-G-A.
Other names: short protein forms R349W.
Identifiers: ClinVar variation 2871148 (VCV002871148.3), dbSNP rs1011104136, ClinGen allele CA321326531.

ClinVar aggregate classification (germline): Uncertain significance (1 of 4 stars; one submission).

Conditions:
Developmental and epileptic encephalopathy, 30 (DEE30). Also called: Epileptic encephalopathy, early infantile, 30. Identifiers: MedGen C4225360, MONDO:0014595, OMIM 616341.

Submission:

Labcorp Genetics (formerly Invitae), Labcorp
Classification: Uncertain significance for Developmental and epileptic encephalopathy, 30. Last evaluated: 2023-06-27. Review status: criteria provided, single submitter. Criteria: Invitae Variant Classification Sherloc (09022015). Collection method: clinical testing. Allele origin: germline.
Comment: An algorithm developed to predict the effect of missense changes on protein structure and function (PolyPhen-2) suggests that this variant is likely to be tolerated. This sequence change replaces arginine, which is basic and polar, with tryptophan, which is neutral and slightly polar, at codon 349 of the SIK1 protein (p.Arg349Trp). The frequency data for this variant in the population databases is considered unreliable, as metrics indicate poor data quality at this position in the gnomAD database. This variant has not been reported in the literature in individuals affected with SIK1-related conditions. In summary, the available evidence is currently insufficient to determine the role of this variant in disease. Therefore, it has been classified as a Variant of Uncertain Significance.